The following is an entry in ClinVar:

ClinVar aggregate classification (germline): Pathogenic (1 of 4 stars; one submission).

Conditions:
Polycystic kidney disease, adult type (PKD1). Also called: POLYCYSTIC KIDNEY DISEASE, ADULT, TYPE I; Polycystic Kidney Disease 1, Autosomal Dominant; Polycystic kidney disease 1; Polycystic kidney disease 1, severe; Polycystic Kidney, Autosomal Dominant; POLYCYSTIC KIDNEY DISEASE 1 WITH OR WITHOUT POLYCYSTIC LIVER DISEASE. Identifiers: MedGen C3149841, MONDO:0008263, OMIM 173900.

Submission:

Victorian Clinical Genetics Services, Murdoch Childrens Research Institute
Classification: Pathogenic for Polycystic kidney disease, adult type. Last evaluated: 2020-05-25. Review status: criteria provided, single submitter. Criteria: ACMG Guidelines, 2015. Collection method: clinical testing. Allele origin: germline.
Comment: A heterozygous variant was identified, NM_001009944.2(PKD1):c.10766_10767del in exon 36 of 46 of the PKD1 gene. This deletion is predicted to cause a frameshift from amino acid position 3589 introducing a premature stop codon downstream, NP_001009944.2(PKD1):p.(Leu3589Profs*37), resulting in loss of normal protein function through nonsense-mediated decay (NMD). The variant is not present in the gnomAD population database and has not been previously observed in clinical cases. Other variants predicted to cause NMD have been reported as pathogenic in individuals with this condition (ClinVar). Based on information available at the time of curation, this variant has been classified as PATHOGENIC. Legend: (P) - Pathogenic, (N) - Neutral, (B) - Benign

NM_001009944.3(PKD1):c.10766_10767del (p.Leu3589fs)

Genes: PKD1 (polycystin 1, transient receptor potential channel interacting; minus strand), PKD1-AS1 (PKD1 antisense RNA 1; plus strand). Cytogenetic location: 16p13.3.
Variant type: Deletion.
Coding change: c.10766_10767del on transcript NM_001009944.3 (MANE Select); coding-DNA positions 10766 to 10767, 2 bases deleted (TC; older notation c.10766_10767delTC).
Protein change: p.Leu3589fs; shifts the reading frame from leucine 3589.
Molecular consequence: frameshift variant.
Genome position (GRCh38, 1-based): chr16:2,093,865-2,093,866, GA deleted on the plus strand (TC on the coding strand, the reverse complement: PKD1 is on the minus strand); deleting any 2 consecutive bases within chr16:2,093,865-2,093,867 gives the same sequence; the c. name uses the placement nearest the transcript's 3' end. VCF-style (leftmost placement, unchanged base first): chr16-2093864-GGA-G. GRCh37 (hg19) VCF-style: chr16-2143865-GGA-G.
Other names: c.10763_10764del, p.Leu3588fs (NM_000296.4); c.10766_10767delTC (NM_001009944.2); short protein forms L3588fs, L3589fs.
Identifiers: ClinVar variation 3377373 (VCV003377373.1).